The following is an entry in ClinVar:

ClinVar aggregate classification (germline): Uncertain significance. Review status: criteria provided, multiple submitters, no conflicts (2 of 4 stars). 2 submissions from 2 submitters: Uncertain significance (2). Last evaluated 2025-06-24.

Conditions:
Inborn genetic diseases. Identifiers: MedGen C0950123, MeSH D030342.

Allele frequency attached by ClinVar (database versions not stated): gnomAD exomes below 0.00001.
gnomAD v4.1: 1 of 1,178,347 alleles (0.000085%); highest among the groups gnomAD compares: Non-Finnish European, 0.00012%; no homozygotes.

Submissions (2):

Labcorp Genetics (formerly Invitae), Labcorp
Classification: Uncertain significance. Last evaluated: 2025-06-24. Review status: criteria provided, single submitter. Criteria: Invitae Variant Classification Sherloc (09022015). Collection method: clinical testing. Allele origin: germline.
Comment: This sequence change replaces phenylalanine, which is neutral and non-polar, with leucine, which is neutral and non-polar, at codon 75 of the FRMD7 protein (p.Phe75Leu). This variant is not present in population databases (gnomAD no frequency). This variant has not been reported in the literature in individuals affected with FRMD7-related conditions. ClinVar contains an entry for this variant (Variation ID: 2284867). An algorithm developed to predict the effect of missense changes on protein structure and function (PolyPhen-2) suggests that this variant is likely to be disruptive. In summary, the available evidence is currently insufficient to determine the role of this variant in disease. Therefore, it has been classified as a Variant of Uncertain Significance.

Ambry Genetics
Classification: Uncertain significance for Inborn genetic diseases. Last evaluated: 2022-04-22. Review status: criteria provided, single submitter. Criteria: Ambry Variant Classification Scheme 2023. Collection method: clinical testing. Allele origin: germline.

NM_194277.3(FRMD7):c.225C>G (p.Phe75Leu)

Gene: FRMD7 (FERM domain containing 7; minus strand). Cytogenetic location: Xq26.2.
Variant type: single nucleotide variant.
Coding change: c.225C>G on transcript NM_194277.3 (MANE Select); coding-DNA position 225, C replaced by G.
Protein change: p.Phe75Leu; replaces phenylalanine 75 with leucine.
Molecular consequence: missense variant. On other transcripts: intron variant (1).
Genome position (GRCh38, 1-based): chrX:132,097,325, G>C on the plus strand (C>G on the coding strand, the complement: FRMD7 is on the minus strand). VCF-style: chrX-132097325-G-C. GRCh37 (hg19) VCF-style: chrX-131231353-G-C.
Other names: c.206-26C>G (NM_001306193.2); short protein forms F75L.
Identifiers: ClinVar variation 2284867 (VCV002284867.4), dbSNP rs2520831302, ClinGen allele CA414681921.